The following is an entry in ClinVar:

ClinVar aggregate classification (germline): Uncertain significance (1 of 4 stars; one submission).

Allele frequency attached by ClinVar (database versions not stated): gnomAD exomes below 0.00001; TOPMed below 0.00001.
gnomAD v4.1: 1 of 1,614,080 alleles (0.000062%); highest among the groups gnomAD compares: Non-Finnish European, 0.000085%; no homozygotes.

Submission:

Ambry Genetics
Classification: Uncertain significance. Last evaluated: 2022-06-15. Review status: criteria provided, single submitter. Criteria: Ambry Variant Classification Scheme 2023. Collection method: clinical testing. Allele origin: germline.
Comment: The p.Q750R variant (also known as c.2249A>G), located in coding exon 1 of the MLH3 gene, results from an A to G substitution at nucleotide position 2249. The glutamine at codon 750 is replaced by arginine, an amino acid with highly similar properties. This amino acid position is conserved. In addition, this alteration is predicted to be tolerated by in silico analysis. Since supporting evidence is limited at this time, the clinical significance of this alteration remains unclear.

NM_001040108.2(MLH3):c.2249A>G (p.Gln750Arg)

Gene: MLH3 (mutL homolog 3; minus strand). Cytogenetic location: 14q24.3.
Variant type: single nucleotide variant.
Coding change: c.2249A>G on transcript NM_001040108.2 (MANE Select); coding-DNA position 2249, A replaced by G.
Protein change: p.Gln750Arg; replaces glutamine 750 with arginine.
Molecular consequence: missense variant.
Genome position (GRCh38, 1-based): chr14:75,047,407, T>C on the plus strand (A>G on the coding strand, the complement: MLH3 is on the minus strand). VCF-style: chr14-75047407-T-C. GRCh37 (hg19) VCF-style: chr14-75514110-T-C.
Other names: c.2249A>G, p.Gln750Arg (NM_014381.3); short protein forms Q750R.
Identifiers: ClinVar variation 3232475 (VCV003232475.1), dbSNP rs1196578399, ClinGen allele CA390441118.
Genomic context (GRCh38, chr14:75,047,407, plus strand): 5'-GTATCCAGAGGATTTTCAACCTTCCCATATTGCCTCTTAAACTTCTCTAAAGATCCTAGC[T>C]GTGAACTCAAGCTTAGCTTCTTACGGACGATTGGTTTGGAGAAACCAATTAATTTATCTG-3'
Protein context (NP_001035197.1, residues 740-760): IVRKKLSLSS[Gln750Arg]LGSLEKFKRQ